The following is an entry in ClinVar:

ClinVar aggregate classification (germline): Likely pathogenic (1 of 4 stars; one submission).

Conditions:
Duchenne muscular dystrophy (DMD). Also called: Duchenne Muscular Dystrophy (DMD); MUSCULAR DYSTROPHY, PSEUDOHYPERTROPHIC PROGRESSIVE, DUCHENNE TYPE. Identifiers: Orphanet 98896, MedGen C0013264, MONDO:0010679, OMIM 310200.

Submission:

Labcorp Genetics (formerly Invitae), Labcorp
Classification: Likely pathogenic for Duchenne muscular dystrophy. Last evaluated: 2023-02-18. Review status: criteria provided, single submitter. Criteria: Invitae Variant Classification Sherloc (09022015). Collection method: clinical testing. Allele origin: germline.
Comment: A similar copy number variant has been observed in individual(s) with DMD-related conditions (PMID: 15655674). In summary, the currently available evidence indicates that the variant is pathogenic, but additional data are needed to prove that conclusively. Therefore, this variant has been classified as Likely Pathogenic. This variant results in a copy number gain of the genomic region encompassing exon(s) 13-17 of the DMD gene. While the exact position of this variant cannot be determined from the data, sub-genic copy number gains are generally in tandem (PMID: 25640679). This variant is predicted to be out-of-frame, and may result in an absent or disrupted protein product. Loss-of-function variants in DMD are known to be pathogenic (PMID: 16770791, 25007885).

Literature cited by the submitters: PubMed 15655674; PubMed 25640679; PubMed 16770791; PubMed 25007885.

NC_000023.10:g.(?_32563256)_(32614013_?)dup

Gene: DMD (dystrophin; minus strand). Cytogenetic location: Xp21.1.
Variant type: Duplication.
Identifiers: ClinVar variation 2424951 (VCV002424951.5).